The following is an entry in ClinVar:

NM_018089.3(ANKZF1):c.2143C>T (p.Gln715Ter)

Gene: ANKZF1 (ankyrin repeat and zinc finger peptidyl tRNA hydrolase 1; plus strand). Cytogenetic location: 2q35.
Variant type: single nucleotide variant.
Coding change: c.2143C>T on transcript NM_018089.3 (MANE Select); coding-DNA position 2143, C replaced by T.
Protein change: p.Gln715Ter; replaces glutamine 715 with a stop codon.
Molecular consequence: nonsense.
Genome position (GRCh38, 1-based): chr2:219,236,407, C>T. VCF-style: chr2-219236407-C-T. GRCh37 (hg19) VCF-style: chr2-220101129-C-T.
Other names: c.2143C>T, p.Gln715Ter (NM_001042410.2); c.1513C>T, p.Gln505Ter (NM_001282792.2); short protein forms Q505*, Q715*.
Identifiers: ClinVar variation 1359949 (VCV001359949.6), dbSNP rs1354644898, ClinGen allele CA350689739.
Genomic context (GRCh38, chr2:219,236,407, plus strand): 5'-CTCCAAGGCCTGACTCCCTTTCACTACCTCGACTTCTCTTTCTGCTCCACACGTTGCCTC[C>T]AGGATCATCGCCGTCAGGCAGGGAGGCCCTCTTCCTGATCTCTTACAGCTCTACCTGGGG-3'

ClinVar aggregate classification (germline): Uncertain significance (1 of 4 stars; one submission).

Allele frequency attached by ClinVar (database versions not stated): gnomAD exomes below 0.00001.
gnomAD v4.1: 2 of 1,612,678 alleles (0.00012%); highest among the groups gnomAD compares: East Asian, 0.0022%; no homozygotes.

Submission:

Labcorp Genetics (formerly Invitae), Labcorp
Classification: Uncertain significance. Last evaluated: 2022-07-25. Review status: criteria provided, single submitter. Criteria: Invitae Variant Classification Sherloc (09022015). Collection method: clinical testing. Allele origin: germline.
Comment: This variant is present in population databases (no rsID available, gnomAD 0.0009%). In summary, the available evidence is currently insufficient to determine the role of this variant in disease. Therefore, it has been classified as a Variant of Uncertain Significance. Experimental studies and prediction algorithms are not available or were not evaluated, and the functional significance of this variant is currently unknown. ClinVar contains an entry for this variant (Variation ID: 1359949). This variant has not been reported in the literature in individuals affected with ANKZF1-related conditions. This sequence change creates a premature translational stop signal (p.Gln715*) in the ANKZF1 gene. While this is not anticipated to result in nonsense mediated decay, it is expected to disrupt the last 12 amino acid(s) of the ANKZF1 protein.